The following is an entry in ClinVar:

ClinVar aggregate classification (germline): Uncertain significance (1 of 4 stars; one submission).

Conditions:
Familial cancer of breast. Also called: hereditary breast carcinoma; Hereditary breast cancer; BREAST CANCER, FAMILIAL. Identifiers: Orphanet 227535, MedGen C0346153, MONDO:0016419, OMIM 114480. Disease mechanism: loss of function.

Submission:

Labcorp Genetics (formerly Invitae), Labcorp
Classification: Uncertain significance for Familial cancer of breast. Last evaluated: 2023-11-28. Review status: criteria provided, single submitter. Criteria: Invitae Variant Classification Sherloc (09022015). Collection method: clinical testing. Allele origin: germline.
Comment: This sequence change replaces threonine, which is neutral and polar, with alanine, which is neutral and non-polar, at codon 521 of the PALB2 protein (p.Thr521Ala). This variant is not present in population databases (gnomAD no frequency). This variant has not been reported in the literature in individuals affected with PALB2-related conditions. Advanced modeling of protein sequence and biophysical properties (such as structural, functional, and spatial information, amino acid conservation, physicochemical variation, residue mobility, and thermodynamic stability) performed at Invitae indicates that this missense variant is not expected to disrupt PALB2 protein function with a negative predictive value of 80%. In summary, the available evidence is currently insufficient to determine the role of this variant in disease. Therefore, it has been classified as a Variant of Uncertain Significance.

NM_024675.4(PALB2):c.1561A>G (p.Thr521Ala)

Gene: PALB2 (partner and localizer of BRCA2; minus strand). Cytogenetic location: 16p12.2.
Variant type: single nucleotide variant.
Coding change: c.1561A>G on transcript NM_024675.4 (MANE Select); coding-DNA position 1561, A replaced by G.
Protein change: p.Thr521Ala; replaces threonine 521 with alanine.
Molecular consequence: missense variant. On other transcripts: intron variant (3).
Genome position (GRCh38, 1-based): chr16:23,634,985, T>C on the plus strand (A>G on the coding strand, the complement: PALB2 is on the minus strand). VCF-style: chr16-23634985-T-C. GRCh37 (hg19) VCF-style: chr16-23646306-T-C.
Other names: c.1501A>G, p.Thr501Ala (NM_001407296.1); c.1561A>G, p.Thr521Ala (NM_001407297.1, NM_001407298.1, NM_001407299.1 and 3 more transcripts); c.676A>G, p.Thr226Ala (NM_001407304.1, NM_001407305.1, NM_001407306.1 and 5 more transcripts); c.49-5710A>G (NM_001407314.1); c.-104-4516A>G (NM_001407313.1, NM_001407312.1); short protein forms T521A, T226A, T501A.
Identifiers: ClinVar variation 2699393 (VCV002699393.3), dbSNP rs2142412552, ClinGen allele CA395130755.